The following is an entry in ClinVar:

ClinVar aggregate classification (germline): Pathogenic (1 of 4 stars; one submission).

Conditions:
Baller-Gerold syndrome (BGS). Also called: CRANIOSYNOSTOSIS WITH RADIAL DEFECTS. Identifiers: Orphanet 1225, MedGen C0265308, MONDO:0009039, OMIM 218600.

Allele frequency attached by ClinVar (database versions not stated): gnomAD exomes below 0.00001.

Submission:

Labcorp Genetics (formerly Invitae), Labcorp
Classification: Pathogenic for Baller-Gerold syndrome. Last evaluated: 2022-10-04. Review status: criteria provided, single submitter. Criteria: Invitae Variant Classification Sherloc (09022015). Collection method: clinical testing. Allele origin: germline.
Comment: For these reasons, this variant has been classified as Pathogenic. ClinVar contains an entry for this variant (Variation ID: 857835). This variant has not been reported in the literature in individuals affected with RECQL4-related conditions. This variant is not present in population databases (gnomAD no frequency). This sequence change creates a premature translational stop signal (p.Leu1000Trpfs*44) in the RECQL4 gene. It is expected to result in an absent or disrupted protein product. Loss-of-function variants in RECQL4 are known to be pathogenic (PMID: 12734318, 12952869).

Literature cited by the submitters: PubMed 12734318; PubMed 12952869.

NM_004260.4(RECQL4):c.2998del (p.Leu1000fs)

Gene: RECQL4 (RecQ like helicase 4; minus strand). Cytogenetic location: 8q24.3.
Variant type: Deletion.
Coding change: c.2998del on transcript NM_004260.4 (MANE Select); coding-DNA position 2998, one base deleted (C; older notation c.2998delC).
Protein change: p.Leu1000fs; shifts the reading frame from leucine 1000.
Molecular consequence: frameshift variant.
Genome position (GRCh38, 1-based): chr8:144,512,449, G deleted on the plus strand (C on the coding strand, the reverse complement: RECQL4 is on the minus strand). VCF-style (leftmost placement, unchanged base first): chr8-144512448-AG-A. GRCh37 (hg19) VCF-style: chr8-145737831-AG-A.
Other names: short protein forms L1000fs.
Identifiers: ClinVar variation 857835 (VCV000857835.8), dbSNP rs1827432061, ClinGen allele CA916083027.